The following is an entry in ClinVar:

NM_024503.5(HIVEP3):c.3539del (p.Pro1180fs)

Gene: HIVEP3 (HIVEP zinc finger 3; minus strand). Cytogenetic location: 1p34.2.
Variant type: Deletion.
Coding change: c.3539del on transcript NM_024503.5 (MANE Select); coding-DNA position 3539, one base deleted (C; older notation c.3539delC).
Protein change: p.Pro1180fs; shifts the reading frame from proline 1180.
Molecular consequence: frameshift variant.
Genome position (GRCh38, 1-based): chr1:41,581,259, G deleted on the plus strand (C on the coding strand, the reverse complement: HIVEP3 is on the minus strand); the first of 5 consecutive G bases (chr1:41,581,259-41,581,263); deleting any one gives the same sequence. VCF-style (leftmost placement, unchanged base first): chr1-41581258-TG-T. GRCh37 (hg19) VCF-style: chr1-42046929-TG-T.
Other names: c.3539del, p.Pro1180fs (NM_001127714.3); short protein forms P1180fs.
Identifiers: ClinVar variation 4992626 (VCV004992626.1).
Genomic context (GRCh38, chr1:41,581,258, plus strand): 5'-TGGGTGCAGAACAGTAGGCTGGAGAGGAAGCGGTGGGGCTTGAAATAAGGAGGGAGGAAG[TG>T]GGGGCATGGAGTATGGTGAGGACAGGAGGCTGGACATGGCCTGGGTGGAGAAGAATTCTG-3'

ClinVar aggregate classification (germline): Uncertain significance (1 of 4 stars; one submission).

Conditions:
HIVEP3-related disorder. Also called: HIVEP3-related condition.

Submission:

PreventionGenetics, part of Exact Sciences
Classification: Uncertain significance for HIVEP3-related condition. Last evaluated: 2026-08-18. Review status: criteria provided, single submitter. Criteria: ACMG Guidelines, 2015. Collection method: clinical testing. Allele origin: germline.
Comment: The HIVEP3 c.3539delC variant is predicted to result in a frameshift and premature protein termination (p.Pro1180Hisfs*204). To our knowledge, this variant has not been reported in the literature or in a large population database (gnomAD), indicating this variant is rare. At this time, the clinical significance of this variant is uncertain due to the absence of conclusive functional and genetic evidence.